The following is an entry in ClinVar:

NM_004304.5(ALK):c.4836G>C (p.Lys1612Asn)

Gene: ALK (ALK receptor tyrosine kinase; minus strand). Cytogenetic location: 2p23.2.
Variant type: single nucleotide variant.
Coding change: c.4836G>C on transcript NM_004304.5 (MANE Select); coding-DNA position 4836, G replaced by C.
Protein change: p.Lys1612Asn; replaces lysine 1612 with asparagine.
Molecular consequence: missense variant.
Genome position (GRCh38, 1-based): chr2:29,193,251, C>G on the plus strand (G>C on the coding strand, the complement: ALK is on the minus strand). VCF-style: chr2-29193251-C-G. GRCh37 (hg19) VCF-style: chr2-29416117-C-G.
Other names: c.1632G>C, p.Lys544Asn (NM_001353765.2); short protein forms K1612N, K544N.
Identifiers: ClinVar variation 422630 (VCV000422630.12), dbSNP rs78174819, ClinGen allele CA1593465.
Genomic context (GRCh38, chr2:29,193,251, plus strand): 5'-TCCCAAGGAAGAGAAGTGAGTGTGCGACCGAGCTCAGGGCCCAGGCTGGTTCATGCTATT[C>G]TTGCTTTTCAGAATGGTATCCTCGTAATGACCAGCTCCAGGGGCAGTAGCGGCTTCTAAG-3'
Protein context (NP_004295.2, residues 1602-1620): GHYEDTILKS[Lys1612Asn]NSMNQPGP

ClinVar aggregate classification (germline): Conflicting classifications of pathogenicity. Review status: criteria provided, conflicting classifications (1 of 4 stars). 3 submissions from 3 submitters: Uncertain significance (2); Benign (1). Last evaluated 2025-11-01.

Conditions:
Hereditary cancer-predisposing syndrome. Also called: Hereditary neoplastic syndrome; Hereditary Cancer Syndrome; Neoplastic Syndromes, Hereditary; Tumor predisposition. Identifiers: Orphanet 140162, MedGen C0027672, MeSH D009386, MONDO:0015356.
Neuroblastoma, susceptibility to, 3. Also called: ALK-Related Neuroblastic Tumor Susceptibility. Identifiers: Orphanet 635, MedGen C2751681, MONDO:0013083, OMIM 613014.

Allele frequency attached by ClinVar (database versions not stated): 1000 Genomes Project 30x 0.00031; 1000 Genomes Project 0.00040.
gnomAD v4.1: 30 of 1,614,136 alleles (0.0019%); highest among the groups gnomAD compares: South Asian, 0.031%; no homozygotes.

Submissions (3):

Labcorp Genetics (formerly Invitae), Labcorp
Classification: Uncertain significance for Neuroblastoma, susceptibility to, 3. Last evaluated: 2025-11-01. Review status: criteria provided, single submitter. Criteria: Invitae Variant Classification Sherloc (09022015). Collection method: clinical testing. Allele origin: germline.
Comment: This sequence change replaces lysine, which is basic and polar, with asparagine, which is neutral and polar, at codon 1612 of the ALK protein (p.Lys1612Asn). This variant is present in population databases (rs78174819, gnomAD 0.05%), and has an allele count higher than expected for a pathogenic variant. This variant has not been reported in the literature in individuals affected with ALK-related conditions. ClinVar contains an entry for this variant (Variation ID: 422630). An algorithm developed to predict the effect of missense changes on protein structure and function (PolyPhen-2) suggests that this variant is likely to be disruptive. In summary, the available evidence is currently insufficient to determine the role of this variant in disease. Therefore, it has been classified as a Variant of Uncertain Significance.

Ambry Genetics
Classification: Benign for Hereditary cancer-predisposing syndrome. Last evaluated: 2024-06-26. Review status: criteria provided, single submitter. Criteria: Ambry Variant Classification Scheme 2023. Collection method: clinical testing. Allele origin: germline.

GeneDx
Classification: Uncertain significance. Last evaluated: 2016-10-27. Review status: criteria provided, single submitter. Criteria: GeneDx Variant Classification (06012015). Collection method: clinical testing. Allele origin: germline. Affected: yes.
Comment: This variant is denoted ALK c.4836G>C at the cDNA level, p.Lys1612Asn (K1612N) at the protein level, and results in the change of a Lysine to an Asparagine (AAG>AAC). This variant has not, to our knowledge, been published in the literature as pathogenic or benign. ALK Lys1612Asn was not observed at a significant allele frequency in 1000 Genomes. Since Lysine and Asparagine differ in some properties, this is considered a semi-conservative amino acid substitution. ALK Lys1612Asn occurs at a position that is not conserved and is not located in a known functional domain (UniProt). In silico analyses are inconsistent regarding the effect this variant may have on protein structure and function. Based on currently available evidence, it is unclear whether ALK Lys1612Asn is a pathogenic or benign variant. We consider it to be a variant of uncertain significance.